The following is an entry in ClinVar:

NM_002016.2(FLG):c.9565G>C (p.Ala3189Pro)

Genes: CCDST (cervical cancer associated DHX9 suppressive transcript; plus strand), FLG (filaggrin; minus strand). Cytogenetic location: 1q21.3.
Variant type: single nucleotide variant.
Coding change: c.9565G>C on transcript NM_002016.2 (MANE Select); coding-DNA position 9565, G replaced by C.
Protein change: p.Ala3189Pro; replaces alanine 3189 with proline.
Molecular consequence: missense variant.
Genome position (GRCh38, 1-based): chr1:152,305,321, C>G on the plus strand (G>C on the coding strand, the complement: FLG is on the minus strand). VCF-style: chr1-152305321-C-G. GRCh37 (hg19) VCF-style: chr1-152277797-C-G.
Other names: short protein forms A3189P.
Identifiers: ClinVar variation 2639252 (VCV002639252.24), dbSNP rs142839051, ClinGen allele CA1103781.
Genomic context (GRCh38, chr1:152,305,321, plus strand): 5'-TGCTTCTCCTGGACCCCTCTGATTGTCCCTGGACTGCCTGTGAGTGTCTAGAGATGTCGG[C>G]ATGAGTGGAAGCTTCATGGTGACGTGACACTGAGTGCCTGGAGCTGTCTCCTGATTGTTC-3'
Protein context (NP_002007.1, residues 3179-3199): VSRHHEASTH[Ala3189Pro]DISRHSQAVQ

ClinVar aggregate classification (germline): Likely benign (1 of 4 stars; one submission).

Allele frequency attached by ClinVar (database versions not stated): ESP Exome Variant Server 0.00461; 1000 Genomes Project 30x 0.00468; 1000 Genomes Project 0.00579.
gnomAD v4.1: 2,572 of 1,610,378 alleles (0.16%); highest among the groups gnomAD compares: African/African-American, 1%; 33 homozygotes.

Submission:

CeGaT Center for Human Genetics Tuebingen
Classification: Likely benign. Last evaluated: 2022-12-01. Review status: criteria provided, single submitter. Criteria: CeGaT Center For Human Genetics Tuebingen Variant Classification Criteria Version 2. Collection method: clinical testing. Allele origin: germline. Affected: yes. Observed: 1 variant allele.
Comment: FLG: BP4, BS2